The following is an entry in ClinVar:

ClinVar aggregate classification (germline): Uncertain significance (1 of 4 stars; one submission).

Conditions:
Inborn genetic diseases. Identifiers: MedGen C0950123, MeSH D030342.

Submission:

Ambry Genetics
Classification: Uncertain significance for Inborn genetic diseases. Last evaluated: 2021-07-10. Review status: criteria provided, single submitter. Criteria: Ambry Variant Classification Scheme 2023. Collection method: clinical testing. Allele origin: germline.
Comment: The p.E593K variant (also known as c.1777G>A), located in coding exon 12 of the EPAS1 gene, results from a G to A substitution at nucleotide position 1777. The glutamic acid at codon 593 is replaced by lysine, an amino acid with similar properties. This amino acid position is conserved. In addition, this alteration is predicted to be tolerated by in silico analysis. Since supporting evidence is limited at this time, the clinical significance of this alteration remains unclear.

NM_001430.5(EPAS1):c.1777G>A (p.Glu593Lys)

Gene: EPAS1 (endothelial PAS domain protein 1; plus strand). Cytogenetic location: 2p21.
Variant type: single nucleotide variant.
Coding change: c.1777G>A on transcript NM_001430.5 (MANE Select); coding-DNA position 1777, G replaced by A.
Protein change: p.Glu593Lys; replaces glutamic acid 593 with lysine.
Molecular consequence: missense variant.
Genome position (GRCh38, 1-based): chr2:46,380,449, G>A. VCF-style: chr2-46380449-G-A. GRCh37 (hg19) VCF-style: chr2-46607588-G-A.
Other names: short protein forms E593K.
Identifiers: ClinVar variation 1779904 (VCV001779904.2), dbSNP rs1179751717, ClinGen allele CA346704861.